The following is an entry in ClinVar:

NM_000081.4(LYST):c.10379del (p.Pro3460fs)

Gene: LYST (lysosomal trafficking regulator; minus strand). Cytogenetic location: 1q42.3.
Variant type: Deletion.
Coding change: c.10379del on transcript NM_000081.4 (MANE Select); coding-DNA position 10379, one base deleted (C; older notation c.10379delC).
Protein change: p.Pro3460fs; shifts the reading frame from proline 3460.
Molecular consequence: frameshift variant.
Genome position (GRCh38, 1-based): chr1:235,697,268, G deleted on the plus strand (C on the coding strand, the reverse complement: LYST is on the minus strand); the first of 2 consecutive G bases (chr1:235,697,268-235,697,269); deleting either gives the same sequence. VCF-style (leftmost placement, unchanged base first): chr1-235697267-AG-A. GRCh37 (hg19) VCF-style: chr1-235860567-AG-A.
Other names: c.10379del, p.Pro3460fs (NM_001301365.1); short protein forms P3460fs.
Identifiers: ClinVar variation 4852233 (VCV004852233.1).

ClinVar aggregate classification (germline): Likely pathogenic (1 of 4 stars; one submission).

Conditions:
Chédiak-Higashi syndrome (CHS). Also called: Chediak-Higashi Syndrome. Identifiers: Orphanet 167, MedGen C0007965, MONDO:0008963, OMIM 214500.

Submission:

Variantyx, Inc.
Classification: Likely pathogenic for Chédiak-Higashi syndrome. Last evaluated: 2025-09-08. Review status: criteria provided, single submitter. Criteria: Variantyx Assertion Criteria 2022. Collection method: clinical testing. Allele origin: germline. Inheritance: Autosomal recessive inheritance. Affected: no.
Comment: This is a frameshift variant in the LYST gene (OMIM: 606897). Pathogenic variants in this gene have been associated with autosomal recessive Chediak-Higashi syndrome. This variant introduces a premature termination codon in exon 46 out of 53 and it is expected to result in loss of function, which is a known disease mechanism for LYST in this disorder (PMID: 20301751) (PVS1). This variant is absent from control populations (PM2_Supporting), and it has not been reported in individuals with LYST-related disorders in the databases available for review. Based on the current evidence, this variant is classified as likely pathogenic for autosomal recessive Chediak-Higashi syndrome.

Literature cited by the submitters: PubMed 20301751.